The following is an entry in ClinVar:

NM_001376.5(DYNC1H1):c.3320T>C (p.Ile1107Thr)

Gene: DYNC1H1 (dynein cytoplasmic 1 heavy chain 1; plus strand). Cytogenetic location: 14q32.31.
Variant type: single nucleotide variant.
Coding change: c.3320T>C on transcript NM_001376.5 (MANE Select); coding-DNA position 3320, T replaced by C.
Protein change: p.Ile1107Thr; replaces isoleucine 1107 with threonine.
Molecular consequence: missense variant.
Genome position (GRCh38, 1-based): chr14:101,994,836, T>C. VCF-style: chr14-101994836-T-C. GRCh37 (hg19) VCF-style: chr14-102461173-T-C.
Other names: short protein forms I1107T.
Identifiers: ClinVar variation 2631035 (VCV002631035.4), dbSNP rs753742264, ClinGen allele CA7351978.

ClinVar aggregate classification (germline): Uncertain significance. Review status: criteria provided, multiple submitters, no conflicts (2 of 4 stars). 2 submissions from 2 submitters: Uncertain significance (2). Last evaluated 2024-01-16.

Conditions:
DYNC1H1-related disorder. Also called: DYNC1H1-related condition; DYNC1H1-related disorders. Identifiers: MedGen CN381529.
Charcot-Marie-Tooth disease axonal type 2O. Also called: CHARCOT-MARIE-TOOTH NEUROPATHY, AXONAL, TYPE 2O; CHARCOT-MARIE-TOOTH DISEASE, AXONAL, AUTOSOMAL DOMINANT, TYPE 2O; Charcot-Marie-Tooth Neuropathy Type 2O; Charcot-Marie-Tooth disease, axonal, type 20. Identifiers: Orphanet 284232, MedGen C3280220, MONDO:0013644, OMIM 614228.

Allele frequency attached by ClinVar (database versions not stated): ExAC 0.00001; gnomAD exomes 0.00001; TOPMed 0.00002.
gnomAD v4.1: 3 of 1,614,234 alleles (0.00019%); highest among the groups gnomAD compares: Middle Eastern, 0.016%; no homozygotes.

Submissions (2):

Labcorp Genetics (formerly Invitae), Labcorp
Classification: Uncertain significance for Charcot-Marie-Tooth disease axonal type 2O. Last evaluated: 2024-01-16. Review status: criteria provided, single submitter. Criteria: Invitae Variant Classification Sherloc (09022015). Collection method: clinical testing. Allele origin: germline.
Comment: This sequence change replaces isoleucine, which is neutral and non-polar, with threonine, which is neutral and polar, at codon 1107 of the DYNC1H1 protein (p.Ile1107Thr). The frequency data for this variant in the population databases is considered unreliable, as metrics indicate poor data quality at this position in the gnomAD database. This variant has not been reported in the literature in individuals affected with DYNC1H1-related conditions. ClinVar contains an entry for this variant (Variation ID: 2631035). Advanced modeling of protein sequence and biophysical properties (such as structural, functional, and spatial information, amino acid conservation, physicochemical variation, residue mobility, and thermodynamic stability) performed at Invitae indicates that this missense variant is expected to disrupt DYNC1H1 protein function with a positive predictive value of 95%. In summary, the available evidence is currently insufficient to determine the role of this variant in disease. Therefore, it has been classified as a Variant of Uncertain Significance.

PreventionGenetics, part of Exact Sciences
Classification: Uncertain significance for DYNC1H1-related condition. Last evaluated: 2023-09-11. Review status: criteria provided, single submitter. Criteria: ACMG Guidelines, 2015. Collection method: clinical testing. Allele origin: germline.
Comment: The DYNC1H1 c.3320T>C variant is predicted to result in the amino acid substitution p.Ile1107Thr. To our knowledge, this variant has not been reported in the literature. This variant is reported in 0.0054% of alleles in individuals of East Asian descent in gnomAD. At this time, the clinical significance of this variant is uncertain due to the absence of conclusive functional and genetic evidence.